The following is an entry in ClinVar:

NM_032242.4(PLXNA1):c.3855G>A (p.Met1285Ile)

Gene: PLXNA1 (plexin A1; plus strand). Cytogenetic location: 3q21.3.
Variant type: single nucleotide variant.
Coding change: c.3855G>A on transcript NM_032242.4 (MANE Select); coding-DNA position 3855, G replaced by A.
Protein change: p.Met1285Ile; replaces methionine 1285 with isoleucine.
Molecular consequence: missense variant.
Genome position (GRCh38, 1-based): chr3:127,018,488, G>A. VCF-style: chr3-127018488-G-A. GRCh37 (hg19) VCF-style: chr3-126737331-G-A.
Other names: short protein forms M1285I.
Identifiers: ClinVar variation 4281559 (VCV004281559.7).
Genomic context (GRCh38, chr3:127,018,488, plus strand): 5'-CGCCTACAAGCGCAAGTCACGAGATGCTGACCGCACACTCAAGCGGCTGCAGCTCCAGAT[G>A]GACAACCTGGAGTCCCGCGTGGCCCTCGAATGCAAGGAAGGTCTGTTGGGGCCAGGGCTC-3'
Protein context (NP_115618.3, residues 1275-1295): DRTLKRLQLQ[Met1285Ile]DNLESRVALE

ClinVar aggregate classification (germline): Uncertain significance (1 of 4 stars; one submission).

Submission:

CeGaT Center for Human Genetics Tuebingen
Classification: Uncertain significance. Last evaluated: 2025-09-01. Review status: criteria provided, single submitter. Criteria: CeGaT Center For Human Genetics Tuebingen Variant Classification Criteria Version 2. Collection method: clinical testing. Allele origin: germline. Affected: yes. Observed: 1 variant allele.
Comment: PLXNA1: PM2